The following is an entry in ClinVar:

NM_020461.4(TUBGCP6):c.3742G>A (p.Ala1248Thr)

Gene: TUBGCP6 (tubulin gamma complex component 6; minus strand). Cytogenetic location: 22q13.33.
Variant type: single nucleotide variant.
Coding change: c.3742G>A on transcript NM_020461.4 (MANE Select); coding-DNA position 3742, G replaced by A.
Protein change: p.Ala1248Thr; replaces alanine 1248 with threonine.
Molecular consequence: missense variant.
Genome position (GRCh38, 1-based): chr22:50,220,617, C>T on the plus strand (G>A on the coding strand, the complement: TUBGCP6 is on the minus strand). VCF-style: chr22-50220617-C-T. GRCh37 (hg19) VCF-style: chr22-50659046-C-T.
Other names: short protein forms A1248T.
Identifiers: ClinVar variation 1447091 (VCV001447091.3), dbSNP rs745417612, ClinGen allele CA10307833.

ClinVar aggregate classification (germline): Uncertain significance (1 of 4 stars; one submission).

Allele frequency attached by ClinVar (database versions not stated): TOPMed below 0.00001; ExAC 0.00002; gnomAD 0.00001; gnomAD exomes 0.00002.

Submission:

Labcorp Genetics (formerly Invitae), Labcorp
Classification: Uncertain significance. Last evaluated: 2022-03-04. Review status: criteria provided, single submitter. Criteria: Invitae Variant Classification Sherloc (09022015). Collection method: clinical testing. Allele origin: germline.
Comment: This sequence change replaces alanine, which is neutral and non-polar, with threonine, which is neutral and polar, at codon 1248 of the TUBGCP6 protein (p.Ala1248Thr). This variant is present in population databases (rs745417612, gnomAD 0.01%), including at least one homozygous and/or hemizygous individual. This variant has not been reported in the literature in individuals affected with TUBGCP6-related conditions. Algorithms developed to predict the effect of missense changes on protein structure and function are either unavailable or do not agree on the potential impact of this missense change (SIFT: "Tolerated"; PolyPhen-2: "Probably Damaging"; Align-GVGD: "Class C0"). In summary, the available evidence is currently insufficient to determine the role of this variant in disease. Therefore, it has been classified as a Variant of Uncertain Significance.